The following is an entry in ClinVar:

NM_006514.4(SCN10A):c.3674T>C (p.Ile1225Thr)

Gene: SCN10A (sodium voltage-gated channel alpha subunit 10; minus strand). Cytogenetic location: 3p22.2.
Variant type: single nucleotide variant.
Coding change: c.3674T>C on transcript NM_006514.4 (MANE Select); coding-DNA position 3674, T replaced by C.
Protein change: p.Ile1225Thr; replaces isoleucine 1225 with threonine.
Molecular consequence: missense variant.
Genome position (GRCh38, 1-based): chr3:38,718,660, A>G on the plus strand (T>C on the coding strand, the complement: SCN10A is on the minus strand). VCF-style: chr3-38718660-A-G. GRCh37 (hg19) VCF-style: chr3-38760151-A-G.
Other names: c.3671T>C, p.Ile1224Thr (NM_001293306.2); c.3380T>C, p.Ile1127Thr (NM_001293307.2); short protein forms I1225T, I1224T, I1127T.
Identifiers: ClinVar variation 445871 (VCV000445871.45), dbSNP rs139638446, ClinGen allele CA2320174.

ClinVar aggregate classification (germline): Benign/Likely benign. Review status: criteria provided, multiple submitters, no conflicts (2 of 4 stars). 9 submissions from 9 submitters: Benign (1); Likely benign (7). 1 of the submissions does not count toward it. Last evaluated 2025-12-21.

Conditions:
SCN10A-related disorder. Also called: SCN10A-related condition.
Brugada syndrome 1 (BRGDA1). Also called: RIGHT BUNDLE BRANCH BLOCK, ST SEGMENT ELEVATION, AND SUDDEN DEATH SYNDROME. Identifiers: Orphanet 130, MedGen C4551804, MONDO:0011001, OMIM 601144.
Cardiovascular phenotype. Identifiers: MedGen CN230736.
Brugada syndrome. Also called: Sudden unexpected nocturnal death syndrome; Sudden unexplained nocturnal death syndrome; Sudden Unexplained Death Syndrome; Sudden Unexplained Nocturnal Death Syndrome (SUNDS). Identifiers: Orphanet 130, MedGen C1142166, MONDO:0015263.

Allele frequency attached by ClinVar (database versions not stated): ESP Exome Variant Server 0.00046; gnomAD 0.00048; gnomAD exomes 0.00048 and 0.00057; ExAC 0.00058; TOPMed 0.00063.
gnomAD v4.1: 790 of 1,614,116 alleles (0.049%); highest among the groups gnomAD compares: Middle Eastern, 0.86%; 3 homozygotes.

Submissions (9):

Labcorp Genetics (formerly Invitae), Labcorp
Classification: Likely benign for Brugada syndrome. Last evaluated: 2025-12-21. Review status: criteria provided, single submitter. Criteria: Invitae Variant Classification Sherloc (09022015). Collection method: clinical testing. Allele origin: germline.

CeGaT Center for Human Genetics Tuebingen
Classification: Likely benign. Last evaluated: 2025-08-01. Review status: criteria provided, single submitter. Criteria: CeGaT Center For Human Genetics Tuebingen Variant Classification Criteria Version 2. Collection method: clinical testing. Allele origin: germline. Affected: yes. Observed: 4 variant alleles.
Comment: SCN10A: BS1

Women's Health and Genetics/Laboratory Corporation of America, LabCorp
Classification: Likely benign. Last evaluated: 2024-12-17. Review status: criteria provided, single submitter. Criteria: LabCorp Variant Classification Summary - May 2015. Collection method: clinical testing. Allele origin: germline.
Comment: Variant summary: SCN10A c.3674T>C (p.Ile1225Thr) results in a non-conservative amino acid change in the encoded protein sequence. Five of five in-silico tools predict a damaging effect of the variant on protein function. The variant allele was found at a frequency of 0.00049 in 1614116 control chromosomes in the gnomAD database, including 3 homozygotes. The observed variant frequency is approximately 78 fold of the estimated maximal expected allele frequency for a pathogenic variant in SCN10A causing Arrhythmia phenotype (6.3e-06). At-least one study has described that p.Ile1225Thr could be a genetic modifiers of the J-point and QTc interval (Ghouse_2017). This report does not provide unequivocal conclusions about association of the variant with Arrhythmia. The following publication has been ascertained in the context of this evaluation (PMID: 27711072). ClinVar contains an entry for this variant (Variation ID: 445871). Based on the evidence outlined above, the variant was classified as likely benign.

Blueprint Genetics
Classification: Likely benign. Last evaluated: 2024-11-06. Review status: criteria provided, single submitter. Criteria: ACMG Guidelines, 2015. Collection method: clinical testing. Allele origin: germline.

Mendelics
Classification: Benign for Brugada syndrome 1. Last evaluated: 2023-08-22. Review status: criteria provided, single submitter. Criteria: Mendelics Assertion Criteria 2019. Collection method: clinical testing. Allele origin: germline.

Ambry Genetics
Classification: Likely benign for Cardiovascular phenotype. Last evaluated: 2018-12-03. Review status: criteria provided, single submitter. Criteria: Ambry Variant Classification Scheme 2023. Collection method: clinical testing. Allele origin: germline.

GeneDx
Classification: Likely benign. Last evaluated: 2017-12-05. Review status: criteria provided, single submitter. Criteria: GeneDx Variant Classification (06012015). Collection method: clinical testing. Allele origin: germline. Affected: yes.
Comment: This variant is considered likely benign or benign based on one or more of the following criteria: it is a conservative change, it occurs at a poorly conserved position in the protein, it is predicted to be benign by multiple in silico algorithms, and/or has population frequency not consistent with disease.

Center for Pediatric Genomic Medicine, Children's Mercy Hospital and Clinics
Classification: Likely benign. Last evaluated: 2017-07-05. Review status: criteria provided, single submitter. Criteria: ACMG Guidelines, 2015. Collection method: clinical testing. Allele origin: germline.

PreventionGenetics, part of Exact Sciences
Classification: Likely benign for SCN10A-related condition. Last evaluated: 2023-09-08. Review status: no assertion criteria provided. Collection method: clinical testing. Allele origin: germline. Not counted in ClinVar's aggregate classification.
Comment: This variant is classified as likely benign based on ACMG/AMP sequence variant interpretation guidelines (Richards et al. 2015 PMID: 25741868, with internal and published modifications).

Literature cited by the submitters: PubMed 27711072 (cited by Women's Health and Genetics/Laboratory Corporation of America, LabCorp and Ambry Genetics); PubMed 24998131 (cited by Ambry Genetics); PubMed 25650408 (cited by Ambry Genetics); PubMed 27884173 (cited by Ambry Genetics).